The following is an entry in ClinVar:

ClinVar aggregate classification (germline): Uncertain significance (1 of 4 stars; one submission).

Allele frequency attached by ClinVar (database versions not stated): gnomAD 0.00001; gnomAD exomes 0.00002; TOPMed 0.00002; ExAC 0.00001.

Submission:

Labcorp Genetics (formerly Invitae), Labcorp
Classification: Uncertain significance. Last evaluated: 2021-09-20. Review status: criteria provided, single submitter. Criteria: Invitae Variant Classification Sherloc (09022015). Collection method: clinical testing. Allele origin: germline.
Comment: This sequence change replaces alanine with threonine at codon 1021 of the TJP2 protein (p.Ala1021Thr). The alanine residue is weakly conserved and there is a small physicochemical difference between alanine and threonine. This variant is present in population databases (rs765214333, ExAC 0.009%). This variant has not been reported in the literature in individuals affected with TJP2-related conditions. Algorithms developed to predict the effect of missense changes on protein structure and function output the following: SIFT: "Tolerated"; PolyPhen-2: "Benign"; Align-GVGD: "Class C0". The threonine amino acid residue is found in multiple mammalian species, which suggests that this missense change does not adversely affect protein function. In summary, the available evidence is currently insufficient to determine the role of this variant in disease. Therefore, it has been classified as a Variant of Uncertain Significance.

NM_004817.4(TJP2):c.3061G>A (p.Ala1021Thr)

Gene: TJP2 (tight junction protein 2; plus strand). Cytogenetic location: 9q21.11.
Variant type: single nucleotide variant.
Coding change: c.3061G>A on transcript NM_004817.4 (MANE Select); coding-DNA position 3061, G replaced by A.
Protein change: p.Ala1021Thr; replaces alanine 1021 with threonine.
Molecular consequence: missense variant. On other transcripts: intron variant (3).
Genome position (GRCh38, 1-based): chr9:69,251,104, G>A. VCF-style: chr9-69251104-G-A. GRCh37 (hg19) VCF-style: chr9-71866020-G-A.
Other names: c.2962G>A, p.Ala988Thr (NM_001170415.1); c.3154G>A, p.Ala1052Thr (NM_001170416.2); c.2986G>A, p.Ala996Thr (NM_001369870.1); c.2992G>A, p.Ala998Thr (NM_001369871.1); c.2950G>A, p.Ala984Thr (NM_001369872.1); c.2737G>A, p.Ala913Thr (NM_001369873.1); c.3073G>A, p.Ala1025Thr (NM_001369875.1); c.2812-1711G>A (NM_001170414.2); and 2 more; short protein forms A998T, A1025T, A1052T, A913T, A984T, A988T, A1021T, A996T.
Identifiers: ClinVar variation 1424343 (VCV001424343.3), dbSNP rs765214333, ClinGen allele CA5073874.